The following is an entry in ClinVar:

ClinVar aggregate classification (germline): Uncertain significance. Review status: criteria provided, multiple submitters, no conflicts (2 of 4 stars). 2 submissions from 2 submitters: Uncertain significance (2). Last evaluated 2025-09-05.

Conditions:
Inborn genetic diseases. Identifiers: MedGen C0950123, MeSH D030342.

Allele frequency attached by ClinVar (database versions not stated): gnomAD 0.00001; gnomAD exomes 0.00001; TOPMed 0.00001; ExAC 0.00002.
gnomAD v4.1: 13 of 1,613,628 alleles (0.00081%); highest among the groups gnomAD compares: East Asian, 0.0067%; no homozygotes.

Submissions (2):

Ambry Genetics
Classification: Uncertain significance for Inborn genetic diseases. Last evaluated: 2025-09-05. Review status: criteria provided, single submitter. Criteria: Ambry Variant Classification Scheme 2023. Collection method: clinical testing. Allele origin: germline.

Labcorp Genetics (formerly Invitae), Labcorp
Classification: Uncertain significance. Last evaluated: 2023-12-03. Review status: criteria provided, single submitter. Criteria: Invitae Variant Classification Sherloc (09022015). Collection method: clinical testing. Allele origin: germline.
Comment: This sequence change replaces alanine, which is neutral and non-polar, with threonine, which is neutral and polar, at codon 414 of the RUNX2 protein (p.Ala414Thr). This variant is present in population databases (rs763860044, gnomAD 0.006%). This variant has not been reported in the literature in individuals affected with RUNX2-related conditions. Advanced modeling of protein sequence and biophysical properties (such as structural, functional, and spatial information, amino acid conservation, physicochemical variation, residue mobility, and thermodynamic stability) performed at Invitae indicates that this missense variant is not expected to disrupt RUNX2 protein function with a negative predictive value of 80%. In summary, the available evidence is currently insufficient to determine the role of this variant in disease. Therefore, it has been classified as a Variant of Uncertain Significance.

NM_001024630.4(RUNX2):c.1240G>A (p.Ala414Thr)

Gene: RUNX2 (RUNX family transcription factor 2; plus strand). Cytogenetic location: 6p21.1.
Variant type: single nucleotide variant.
Coding change: c.1240G>A on transcript NM_001024630.4 (MANE Select); coding-DNA position 1240, G replaced by A.
Protein change: p.Ala414Thr; replaces alanine 414 with threonine.
Molecular consequence: missense variant.
Genome position (GRCh38, 1-based): chr6:45,546,979, G>A. VCF-style: chr6-45546979-G-A. GRCh37 (hg19) VCF-style: chr6-45514716-G-A.
Other names: c.1198G>A, p.Ala400Thr (NM_004348.3, NM_001369405.1); c.1174G>A, p.Ala392Thr (NM_001015051.4); c.1132G>A, p.Ala378Thr (NM_001278478.2); c.1240G>A (NM_001024630.3); short protein forms A400T, A378T, A392T, A414T.
Identifiers: ClinVar variation 3018557 (VCV003018557.4), dbSNP rs763860044, ClinGen allele CA3836598.